The following is an entry in ClinVar:

ClinVar aggregate classification (germline): Uncertain significance. Review status: criteria provided, multiple submitters, no conflicts (2 of 4 stars). 3 submissions from 3 submitters: Uncertain significance (3). Last evaluated 2026-01-23.

Conditions:
Inborn genetic diseases. Identifiers: MedGen C0950123, MeSH D030342.

gnomAD v4.1: 25 of 1,612,246 alleles (0.0016%); highest among the groups gnomAD compares: South Asian, 0.015%; no homozygotes.

Submissions (3):

Dasa
Classification: Uncertain significance. Last evaluated: 2026-01-23. Review status: criteria provided, single submitter. Criteria: DASA Assertion Criteria. Collection method: clinical testing. Allele origin: germline.
Comment: NM_005529.7(HSPG2):c.10463C>T (p.Ser3488Leu) is a missense variant that results in the substitution of serine with leucine. This variant is rare in population databases. The currently available literature and clinical evidence are not sufficient to establish a definitive association between this variant and the reported condition. Therefore, this variant is classified as a variant of uncertain significance.

Ambry Genetics
Classification: Uncertain significance for Inborn genetic diseases. Last evaluated: 2024-12-28. Review status: criteria provided, single submitter. Criteria: Ambry Variant Classification Scheme 2023. Collection method: clinical testing. Allele origin: germline.

Blueprint Genetics
Classification: Uncertain significance. Last evaluated: 2023-06-29. Review status: criteria provided, single submitter. Criteria: ACMG Guidelines, 2015. Collection method: clinical testing. Allele origin: germline.

NM_005529.7(HSPG2):c.10463C>T (p.Ser3488Leu)

Gene: HSPG2 (heparan sulfate proteoglycan 2; minus strand). Cytogenetic location: 1p36.12.
Variant type: single nucleotide variant.
Coding change: c.10463C>T on transcript NM_005529.7 (MANE Select); coding-DNA position 10463, C replaced by T.
Protein change: p.Ser3488Leu; replaces serine 3488 with leucine.
Molecular consequence: missense variant.
Genome position (GRCh38, 1-based): chr1:21,834,936, G>A on the plus strand (C>T on the coding strand, the complement: HSPG2 is on the minus strand). VCF-style: chr1-21834936-G-A. GRCh37 (hg19) VCF-style: chr1-22161429-G-A.
Other names: c.10466C>T, p.Ser3489Leu (NM_001291860.2); short protein forms S3488L, S3489L.
Identifiers: ClinVar variation 3858973 (VCV003858973.4).